The following is an entry in ClinVar:

NM_002439.5(MSH3):c.1211G>T (p.Ser404Ile)

Gene: MSH3 (mutS homolog 3; plus strand). Cytogenetic location: 5q14.1.
Variant type: single nucleotide variant.
Coding change: c.1211G>T on transcript NM_002439.5 (MANE Select); coding-DNA position 1211, G replaced by T.
Protein change: p.Ser404Ile; replaces serine 404 with isoleucine.
Molecular consequence: missense variant.
Genome position (GRCh38, 1-based): chr5:80,678,964, G>T. VCF-style: chr5-80678964-G-T. GRCh37 (hg19) VCF-style: chr5-79974783-G-T.
Other names: c.1211G>T (NM_002439.3); short protein forms S404I.
Identifiers: ClinVar variation 1407507 (VCV001407507.9), dbSNP rs1580556438, ClinGen allele CA360268892.

ClinVar aggregate classification (germline): Uncertain significance. Review status: criteria provided, multiple submitters, no conflicts (2 of 4 stars). 3 submissions from 3 submitters: Uncertain significance (3). Last evaluated 2026-01-26.

Conditions:
Hereditary cancer-predisposing syndrome. Also called: Hereditary neoplastic syndrome; Hereditary Cancer Syndrome; Neoplastic Syndromes, Hereditary; Tumor predisposition. Identifiers: Orphanet 140162, MedGen C0027672, MeSH D009386, MONDO:0015356.

Allele frequency attached by ClinVar (database versions not stated): TOPMed below 0.00001.
gnomAD v4.1: 16 of 1,614,112 alleles (0.00099%); highest among the groups gnomAD compares: Non-Finnish European, 0.0012%; no homozygotes.

Submissions (3):

Labcorp Genetics (formerly Invitae), Labcorp
Classification: Uncertain significance. Last evaluated: 2026-01-26. Review status: criteria provided, single submitter. Criteria: Invitae Variant Classification Sherloc (09022015). Collection method: clinical testing. Allele origin: germline.
Comment: This sequence change replaces serine, which is neutral and polar, with isoleucine, which is neutral and non-polar, at codon 404 of the MSH3 protein (p.Ser404Ile). RNA analysis indicates that this missense change induces altered splicing and likely results in the loss of 15 amino acid residue(s), but is expected to preserve the integrity of the reading-frame. This variant is not present in population databases (gnomAD no frequency). This variant has not been reported in the literature in individuals affected with MSH3-related conditions. ClinVar contains an entry for this variant (Variation ID: 1407507). An algorithm developed to predict the effect of missense changes on protein structure and function (PolyPhen-2) suggests that this variant is likely to be disruptive. Studies have shown that this missense change results in the activation of a cryptic splice site in exon 8 (internal data). In summary, the available evidence is currently insufficient to determine the role of this variant in disease. Therefore, it has been classified as a Variant of Uncertain Significance.

Ambry Genetics
Classification: Uncertain significance for Hereditary cancer-predisposing syndrome. Last evaluated: 2025-04-22. Review status: criteria provided, single submitter. Criteria: Ambry Variant Classification Scheme 2023. Collection method: clinical testing. Allele origin: germline.
Comment: The p.S404I variant (also known as c.1211G>T), located in coding exon 8 of the MSH3 gene, results from a G to T substitution at nucleotide position 1211. The serine at codon 404 is replaced by isoleucine, an amino acid with dissimilar properties. This amino acid position is conserved. In addition, the in silico prediction for this alteration is inconclusive. Since supporting evidence is limited at this time, the clinical significance of this alteration remains unclear.

GeneDx
Classification: Uncertain significance. Last evaluated: 2022-03-31. Review status: criteria provided, single submitter. Criteria: GeneDx Variant Classification Process June 2021. Collection method: clinical testing. Allele origin: germline. Affected: yes.
Comment: Not observed at significant frequency in large population cohorts (gnomAD); In silico analysis supports that this missense variant has a deleterious effect on protein structure/function; Has not been previously published as pathogenic or benign to our knowledge; In-silico analysis is inconclusive as to whether the variant alters gene splicing. In the absence of RNA/functional studies, the actual effect of this sequence change is unknown.; Variants in candidate genes are classified as variants of uncertain significance in accordance with ACMG guidelines (Richards et al., 2015)